The following is an entry in ClinVar:

NM_001142699.3(DLG2):c.2412T>C (p.Ser804=)

Gene: DLG2 (discs large MAGUK scaffold protein 2; minus strand). Cytogenetic location: 11q14.1.
Variant type: single nucleotide variant.
Coding change: c.2412T>C on transcript NM_001142699.3 (MANE Select); coding-DNA position 2412, T replaced by C.
Protein change: p.Ser804=; no amino-acid change (serine 804 retained).
Molecular consequence: synonymous variant. On other transcripts: non-coding transcript variant (1).
Genome position (GRCh38, 1-based): chr11:83,471,660, A>G on the plus strand (T>C on the coding strand, the complement: DLG2 is on the minus strand). VCF-style: chr11-83471660-A-G. GRCh37 (hg19) VCF-style: chr11-83182703-A-G.
Other names: c.1734T>C, p.Ser578= (NM_001142700.2); c.489T>C, p.Ser163= (NM_001142702.2, NM_001377980.1); c.2214T>C, p.Ser738= (NM_001206769.2, NM_001377966.1); c.2043T>C, p.Ser681= (NM_001300983.1); c.2394T>C, p.Ser798= (NM_001351274.2); c.2391T>C, p.Ser797= (NM_001351275.2); c.2100T>C, p.Ser700= (NM_001351276.2); c.2097T>C, p.Ser699= (NM_001364.3); and 13 more.
Identifiers: ClinVar variation 771749 (VCV000771749.27), dbSNP rs146333277, ClinGen allele CA6211250.

ClinVar aggregate classification (germline): Benign/Likely benign. Review status: criteria provided, multiple submitters, no conflicts (2 of 4 stars). 2 submissions from 2 submitters: Benign (1); Likely benign (1). Last evaluated 2022-06-01.

Allele frequency attached by ClinVar (database versions not stated): 1000 Genomes Project 30x 0.00062; 1000 Genomes Project 0.00080; ESP Exome Variant Server 0.00202; gnomAD 0.00212 and 0.00216; TOPMed 0.00222; gnomAD exomes 0.00236 and 0.00292; ExAC 0.00249.
gnomAD v4.1: 4,534 of 1,613,236 alleles (0.28%); highest among the groups gnomAD compares: Non-Finnish European, 0.35%; 15 homozygotes.

Submissions (2):

CeGaT Center for Human Genetics Tuebingen
Classification: Likely benign. Last evaluated: 2022-06-01. Review status: criteria provided, single submitter. Criteria: CeGaT Center For Human Genetics Tuebingen Variant Classification Criteria Version 2. Collection method: clinical testing. Allele origin: germline. Affected: yes. Observed: 2 variant alleles.
Comment: DLG2: BP4, BP7

Labcorp Genetics (formerly Invitae), Labcorp
Classification: Benign. Last evaluated: 2018-07-31. Review status: criteria provided, single submitter. Criteria: Invitae Variant Classification Sherloc (09022015). Collection method: clinical testing. Allele origin: germline.